The following is an entry in ClinVar:

ClinVar aggregate classification (germline): Likely pathogenic (1 of 4 stars; one submission).

Submission:

Labcorp Genetics (formerly Invitae), Labcorp
Classification: Likely pathogenic. Last evaluated: 2024-10-07. Review status: criteria provided, single submitter. Criteria: Invitae Variant Classification Sherloc (09022015). Collection method: clinical testing. Allele origin: germline.
Comment: This sequence change affects an acceptor splice site in intron 10 of the RASGRP1 gene. It is expected to disrupt RNA splicing. Variants that disrupt the donor or acceptor splice site typically lead to a loss of protein function (PMID: 16199547), and loss-of-function variants in RASGRP1 are known to be pathogenic (PMID: 11017103, 27776107, 28822832). This variant is not present in population databases (gnomAD no frequency). This variant has not been reported in the literature in individuals affected with RASGRP1-related conditions. Algorithms developed to predict the effect of sequence changes on RNA splicing suggest that this variant may disrupt the consensus splice site. In summary, the currently available evidence indicates that the variant is pathogenic, but additional data are needed to prove that conclusively. Therefore, this variant has been classified as Likely Pathogenic.

Literature cited by the submitters: PubMed 16199547; PubMed 11017103; PubMed 27776107; PubMed 28822832.

NM_005739.4(RASGRP1):c.1324-2A>G

Gene: RASGRP1 (RAS guanyl releasing protein 1; minus strand). Cytogenetic location: 15q14.
Variant type: single nucleotide variant.
Coding change: c.1324-2A>G on transcript NM_005739.4 (MANE Select); the canonical splice acceptor site of the intron before coding-DNA position 1324, A replaced by G.
Molecular consequence: splice acceptor variant. On other transcripts: intron variant (2).
Genome position (GRCh38, 1-based): chr15:38,503,378, T>C on the plus strand (A>G on the coding strand, the complement: RASGRP1 is on the minus strand). VCF-style: chr15-38503378-T-C. GRCh37 (hg19) VCF-style: chr15-38795579-T-C.
Other names: c.1324-957A>G (NM_001306086.2, NM_001128602.2).
Identifiers: ClinVar variation 3722427 (VCV003722427.2).